The following is an entry in ClinVar:

ClinVar aggregate classification (germline): Pathogenic (1 of 4 stars; one submission).

Conditions:
Complement component 3 deficiency. Identifiers: Orphanet 280133, MedGen C3151071, MONDO:0013417, OMIM 613779.

Submission:

Genomenon, Inc
Classification: Pathogenic for Complement component 3 deficiency. Last evaluated: 2025-09-30. Review status: criteria provided, single submitter. Criteria: Genomenon Sequence Variant Interpretation Standards. Collection method: curation. Allele origin: germline. Affected: yes.
Comment: C3 p.Arg668AlafsTer36 (c.2002del) is a frameshift variant that results in the production of a truncated protein which is predicted to undergo nonsense-mediated mRNA decay. This variant has been observed in at least one proband affected with C3 deficiency (PMID:24321396). It is absent or not present at a significant frequency in gnomAD. In conclusion, we classify C3 p.Arg668AlafsTer36 (c.2002del) as a pathogenic variant.

Literature cited by the submitters: PubMed 24321396.

NM_000064.4(C3):c.2002del (p.Arg668fs)

Gene: C3 (complement C3; minus strand). Cytogenetic location: 19p13.3.
Variant type: Deletion.
Coding change: c.2002del on transcript NM_000064.4 (MANE Select); coding-DNA position 2002, one base deleted (C; older notation c.2002delC).
Protein change: p.Arg668fs; shifts the reading frame from arginine 668.
Molecular consequence: frameshift variant.
Genome position (GRCh38, 1-based): chr19:6,707,511, G deleted on the plus strand (C on the coding strand, the reverse complement: C3 is on the minus strand); the first of 3 consecutive G bases (chr19:6,707,511-6,707,513); deleting any one gives the same sequence. VCF-style (leftmost placement, unchanged base first): chr19-6707510-CG-C. GRCh37 (hg19) VCF-style: chr19-6707521-CG-C.
Other names: short protein forms R668fs.
Identifiers: ClinVar variation 4280162 (VCV004280162.1).